The following is an entry in ClinVar:

ClinVar aggregate classification (germline): Uncertain significance. Review status: criteria provided, multiple submitters, no conflicts (2 of 4 stars). 4 submissions from 4 submitters: Uncertain significance (4). Last evaluated 2025-07-15.

Conditions:
Inborn genetic diseases. Identifiers: MedGen C0950123, MeSH D030342.

Allele frequency attached by ClinVar (database versions not stated): gnomAD 0.00002; ExAC 0.00003; gnomAD exomes 0.00003; TOPMed 0.00004.

Submissions (4):

Ambry Genetics
Classification: Uncertain significance for Inborn genetic diseases. Last evaluated: 2025-07-15. Review status: criteria provided, single submitter. Criteria: Ambry Variant Classification Scheme 2023. Collection method: clinical testing. Allele origin: germline.

Athena Diagnostics
Classification: Uncertain significance. Last evaluated: 2025-04-11. Review status: criteria provided, single submitter. Criteria: Athena Diagnostics Criteria. Collection method: clinical testing. Allele origin: unknown.
Comment: Available data are insufficient to determine the clinical significance of the variant at this time. The frequency of this variant in the general population is higher than would generally be expected for pathogenic variants in this gene. Polyphen and MutationTaster yielded discordant predictions regarding whether this amino acid change is damaging to the protein.

GeneDx
Classification: Uncertain significance. Last evaluated: 2023-04-28. Review status: criteria provided, single submitter. Criteria: GeneDx Variant Classification Process June 2021. Collection method: clinical testing. Allele origin: germline. Affected: yes.
Comment: In silico analysis supports that this missense variant has a deleterious effect on protein structure/function; Has not been previously published as pathogenic or benign to our knowledge

Blueprint Genetics
Classification: Uncertain significance. Last evaluated: 2021-01-07. Review status: criteria provided, single submitter. Criteria: ACMG Guidelines, 2015. Collection method: clinical testing. Allele origin: germline.

NM_002739.5(PRKCG):c.641C>T (p.Thr214Met)

Gene: PRKCG (protein kinase C gamma; plus strand). Cytogenetic location: 19q13.42.
Variant type: single nucleotide variant.
Coding change: c.641C>T on transcript NM_002739.5 (MANE Select); coding-DNA position 641, C replaced by T.
Protein change: p.Thr214Met; replaces threonine 214 with methionine.
Molecular consequence: missense variant.
Genome position (GRCh38, 1-based): chr19:53,891,785, C>T. VCF-style: chr19-53891785-C-T. GRCh37 (hg19) VCF-style: chr19-54395039-C-T.
Other names: c.641C>T, p.Thr214Met (NM_001316329.2); short protein forms T214M.
Identifiers: ClinVar variation 2661947 (VCV002661947.4), dbSNP rs372532968, ClinGen allele CA9640353.
Genomic context (GRCh38, chr19:53,891,785, plus strand): 5'-CCTATGTGAAACTGAAGCTCATCCCAGACCCTCGGAACCTGACGAAACAGAAGACCCGAA[C>T]GGTGAAAGCCACGCTAAACCCTGTGTGGAATGAGACCTTTGTGTTGTGAGTCTGGGGTGC-3'
Protein context (NP_002730.1, residues 204-224): PRNLTKQKTR[Thr214Met]VKATLNPVWN